The following is an entry in ClinVar:

NM_001130987.2(DYSF):c.3131A>C (p.His1044Pro)

Gene: DYSF (dysferlin; plus strand). Cytogenetic location: 2p13.2.
Variant type: single nucleotide variant.
Coding change: c.3131A>C on transcript NM_001130987.2 (MANE Select); coding-DNA position 3131, A replaced by C.
Protein change: p.His1044Pro; replaces histidine 1044 with proline.
Molecular consequence: missense variant.
Genome position (GRCh38, 1-based): chr2:71,570,644, A>C. VCF-style: chr2-71570644-A-C. GRCh37 (hg19) VCF-style: chr2-71797774-A-C.
Other names: c.3080A>C, p.His1027Pro (NM_001130455.2, NM_001130983.2); c.3035A>C, p.His1012Pro (NM_001130976.2, NM_001130977.2); c.3077A>C, p.His1026Pro (NM_001130978.2, NM_003494.4); c.3170A>C, p.His1057Pro (NM_001130979.2); c.3128A>C, p.His1043Pro (NM_001130980.2, NM_001130981.2); c.3173A>C, p.His1058Pro (NM_001130982.2); c.3038A>C, p.His1013Pro (NM_001130984.2, NM_001130986.2); c.3131A>C, p.His1044Pro (NM_001130985.2); short protein forms H1057P, H1013P, H1027P, H1043P, H1044P, H1012P, H1026P, H1058P.
Identifiers: ClinVar variation 955036 (VCV000955036.7), dbSNP rs2092365476, ClinGen allele CA347216979.
Genomic context (GRCh38, chr2:71,570,644, plus strand): 5'-TTCCCCCTCCCCCAGGCTGGGAGTATAGCATCACCATCCCCCCGGAGCGGAAGCCGAAGC[A>C]CTGGGTCCCTGCTGAGAAGATGTACTACACACACCGACGGCGGCGCTGGGTGCGCCTGCG-3'
Protein context (NP_001124459.1, residues 1034-1054): ITIPPERKPK[His1044Pro]WVPAEKMYYT

ClinVar aggregate classification (germline): Uncertain significance. Review status: criteria provided, single submitter (1 of 4 stars). 2 submissions from 2 submitters: Uncertain significance (1). 1 of the submissions does not count toward it. Last evaluated 2022-07-11.

Conditions:
Neuromuscular disease caused by qualitative or quantitative defects of dysferlin. Also called: Qualitative or quantitative defects of dysferlin; Dysferlinopathy. Identifiers: Orphanet 207073, MedGen C2931687, MONDO:0016145.
Autosomal recessive limb-girdle muscular dystrophy type 2B (LGMDR2). Also called: MUSCULAR DYSTROPHY, LIMB-GIRDLE, TYPE 3; MUSCULAR DYSTROPHY, LIMB-GIRDLE, AUTOSOMAL RECESSIVE 2; Limb-girdle muscular dystrophy, type 2B; Limb-Girdle Muscular Dystrophy Type 2B (LGMD2B). Identifiers: Orphanet 268, MedGen C1850889, MONDO:0009676, OMIM 253601.

Allele frequency attached by ClinVar (database versions not stated): gnomAD exomes 0.00002.
gnomAD v4.1: 22 of 1,614,102 alleles (0.0014%); highest among the groups gnomAD compares: East Asian, 0.018%; no homozygotes.

Submissions (2):

Labcorp Genetics (formerly Invitae), Labcorp
Classification: Uncertain significance for Neuromuscular disease caused by qualitative or quantitative defects of dysferlin. Last evaluated: 2022-07-11. Review status: criteria provided, single submitter. Criteria: Invitae Variant Classification Sherloc (09022015). Collection method: clinical testing. Allele origin: germline.
Comment: This sequence change replaces histidine, which is basic and polar, with proline, which is neutral and non-polar, at codon 1026 of the DYSF protein (p.His1026Pro). This variant is not present in population databases (gnomAD no frequency). This variant has not been reported in the literature in individuals affected with DYSF-related conditions. ClinVar contains an entry for this variant (Variation ID: 955036). Advanced modeling of protein sequence and biophysical properties (such as structural, functional, and spatial information, amino acid conservation, physicochemical variation, residue mobility, and thermodynamic stability) performed at Invitae indicates that this missense variant is not expected to disrupt DYSF protein function. In summary, the available evidence is currently insufficient to determine the role of this variant in disease. Therefore, it has been classified as a Variant of Uncertain Significance.

Natera, Inc.
Classification: Uncertain significance for Limb-girdle muscular dystrophy type 2B. Last evaluated: 2020-03-24. Review status: no assertion criteria provided. Collection method: clinical testing. Allele origin: germline. Not counted in ClinVar's aggregate classification.